The following is an entry in ClinVar:

NM_000057.4(BLM):c.1657A>G (p.Ile553Val)

Gene: BLM (BLM RecQ like helicase; plus strand). Cytogenetic location: 15q26.1.
Variant type: single nucleotide variant.
Coding change: c.1657A>G on transcript NM_000057.4 (MANE Select); coding-DNA position 1657, A replaced by G.
Protein change: p.Ile553Val; replaces isoleucine 553 with valine.
Molecular consequence: missense variant.
Genome position (GRCh38, 1-based): chr15:90,761,030, A>G. VCF-style: chr15-90761030-A-G. GRCh37 (hg19) VCF-style: chr15-91304260-A-G.
Other names: c.1657A>G, p.Ile553Val (NM_001287246.2, NM_001287247.2); c.532A>G, p.Ile178Val (NM_001287248.2); c.1657A>G (NM_000057.2); short protein forms I178V, I553V.
Identifiers: ClinVar variation 640056 (VCV000640056.16), dbSNP rs778873363, ClinGen allele CA274738344.

ClinVar aggregate classification (germline): Uncertain significance. Review status: criteria provided, multiple submitters, no conflicts (2 of 4 stars). 4 submissions from 4 submitters: Uncertain significance (3). 1 of the submissions does not count toward it. Last evaluated 2024-04-29.

Conditions:
Hereditary cancer-predisposing syndrome. Also called: Neoplastic Syndromes, Hereditary; Tumor predisposition; Hereditary Cancer Syndrome; Hereditary neoplastic syndrome. Identifiers: Orphanet 140162, MedGen C0027672, MeSH D009386, MONDO:0015356.
Bloom syndrome (BLM). Also called: Bloom-Torre-Machacek syndrome. Identifiers: Orphanet 125, MedGen C0005859, MONDO:0008876, OMIM 210900.

Allele frequency attached by ClinVar (database versions not stated): gnomAD exomes 0.00004.
gnomAD v4.1: 56 of 1,598,142 alleles (0.0035%); highest among the groups gnomAD compares: Non-Finnish European, 0.0047%; no homozygotes.

Submissions (4):

Ambry Genetics
Classification: Uncertain significance for Hereditary cancer-predisposing syndrome. Last evaluated: 2024-04-29. Review status: criteria provided, single submitter. Criteria: Ambry Variant Classification Scheme 2023. Collection method: clinical testing. Allele origin: germline.
Comment: The p.I553V variant (also known as c.1657A>G), located in coding exon 6 of the BLM gene, results from an A to G substitution at nucleotide position 1657. The isoleucine at codon 553 is replaced by valine, an amino acid with highly similar properties. This amino acid position is not well conserved in available vertebrate species. In addition, this alteration is predicted to be tolerated by in silico analysis. Since supporting evidence is limited at this time, the clinical significance of this alteration remains unclear.

Labcorp Genetics (formerly Invitae), Labcorp
Classification: Uncertain significance for Bloom syndrome. Last evaluated: 2024-04-29. Review status: criteria provided, single submitter. Criteria: Invitae Variant Classification Sherloc (09022015). Collection method: clinical testing. Allele origin: germline.
Comment: This sequence change replaces isoleucine, which is neutral and non-polar, with valine, which is neutral and non-polar, at codon 553 of the BLM protein (p.Ile553Val). This variant is not present in population databases (gnomAD no frequency). This variant has not been reported in the literature in individuals affected with BLM-related conditions. ClinVar contains an entry for this variant (Variation ID: 640056). Advanced modeling of protein sequence and biophysical properties (such as structural, functional, and spatial information, amino acid conservation, physicochemical variation, residue mobility, and thermodynamic stability) performed at Invitae indicates that this missense variant is not expected to disrupt BLM protein function with a negative predictive value of 80%. In summary, the available evidence is currently insufficient to determine the role of this variant in disease. Therefore, it has been classified as a Variant of Uncertain Significance.

St. Jude Molecular Pathology, St. Jude Children's Research Hospital
Classification: Uncertain significance for Bloom syndrome. Last evaluated: 2022-09-27. Review status: criteria provided, single submitter. Criteria: St. Jude Assertion Criteria 2020. Collection method: clinical testing. Allele origin: germline.
Comment: The BLM c.1657A>G (p.Ile553Val) missense change is absent in gnomAD v2.1.1. The in silico tool REVEL predicts a benign effect on protein function, and to our knowledge functional studies have not been performed. To our knowledge, this variant has not been reported in individuals with Bloom syndrome.   In summary, the evidence currently available is insufficient to determine the clinical significance of this variant. It has therefore been classified as of uncertain significance.

Natera, Inc.
Classification: Uncertain significance for Bloom syndrome. Last evaluated: 2020-08-10. Review status: no assertion criteria provided. Collection method: clinical testing. Allele origin: germline. Not counted in ClinVar's aggregate classification.